The following is an entry in ClinVar:

ClinVar aggregate classification (germline): Pathogenic (1 of 4 stars; one submission).

Conditions:
Hyperimmunoglobulin D with periodic fever (HIDS). Also called: Hyperimmunoglobulinemia D with periodic fever; Hyperimmunoglobulinemia D; HYPERIMMUNOGLOBULINEMIA D AND PERIODIC FEVER SYNDROME. Identifiers: Orphanet 343, MedGen C0398691, MONDO:0009849, OMIM 260920.
Mevalonic aciduria (MEVA). Identifiers: Orphanet 29, MedGen C1959626, MONDO:0012481, OMIM 610377.
Porokeratosis 3, disseminated superficial actinic type (POROK3). Also called: POROKERATOSIS, DISSEMINATED SUPERFICIAL ACTINIC, 1; POROKERATOSIS 3, MULTIPLE TYPES; POROKERATOSIS 3, MIBELLI TYPE. Identifiers: MedGen C1867981, MONDO:0008293, OMIM 175900.

Submission:

Labcorp Genetics (formerly Invitae), Labcorp
Classification: Pathogenic for Mevalonic aciduria; Hyperimmunoglobulin D with periodic fever; Porokeratosis 3, disseminated superficial actinic type. Last evaluated: 2022-08-19. Review status: criteria provided, single submitter. Criteria: Invitae Variant Classification Sherloc (09022015). Collection method: clinical testing. Allele origin: germline.
Comment: For these reasons, this variant has been classified as Pathogenic. This variant disrupts a region of the MVK protein in which other variant(s) (p.Arg388*) have been determined to be pathogenic (PMID: 23146290, 23998246, 27012807). This suggests that this is a clinically significant region of the protein, and that variants that disrupt it are likely to be disease-causing. This variant has not been reported in the literature in individuals affected with MVK-related conditions. This variant is not present in population databases (gnomAD no frequency). This sequence change creates a premature translational stop signal (p.Gly364Leufs*2) in the MVK gene. While this is not anticipated to result in nonsense mediated decay, it is expected to disrupt the last 33 amino acid(s) of the MVK protein.

Literature cited by the submitters: PubMed 23146290; PubMed 23998246; PubMed 27012807.

NM_000431.4(MVK):c.1090_1091del (p.Gly364fs)

Gene: MVK (mevalonate kinase; plus strand). Cytogenetic location: 12q24.11.
Variant type: Deletion.
Coding change: c.1090_1091del on transcript NM_000431.4 (MANE Select); coding-DNA positions 1090 to 1091, 2 bases deleted (GG; older notation c.1090_1091delGG).
Protein change: p.Gly364fs; shifts the reading frame from glycine 364.
Molecular consequence: frameshift variant.
Genome position (GRCh38, 1-based): chr12:109,596,476-109,596,477, GG deleted. VCF-style (leftmost placement, unchanged base first): chr12-109596475-TGG-T. GRCh37 (hg19) VCF-style: chr12-110034280-TGG-T.
Other names: c.1090_1091del, p.Gly364fs (NM_001114185.3); c.934_935del, p.Gly312fs (NM_001301182.2); c.1090_1091delGG, p.Gly364Leufs (NM_001414511.1); c.1165_1166delGG, p.Gly389Leufs (NM_001414512.1); c.*9_*10delGG (NM_001414513.1, NM_001414514.1); c.508_509delGG, p.Gly170Leufs (NM_001414515.1); short protein forms G312fs, G364fs.
Identifiers: ClinVar variation 2024803 (VCV002024803.4), dbSNP rs2548642861, ClinGen allele CA2580085785.
Genomic context (GRCh38, chr12:109,596,475, plus strand): 5'-CCTCCCCGCAGGGCTGGAGCAGCCAGAAGTGGAGGCCACGAAGCAGGCCCTGACCAGCTG[TGG>T]CTTTGACTGCTTGGAAACCAGCATCGGTGCCCCCGGCGTCTCCATCCACTCAGCCACCTC-3'